The following is an entry in ClinVar:

ClinVar aggregate classification (germline): Uncertain significance. Review status: criteria provided, multiple submitters, no conflicts (2 of 4 stars). 2 submissions from 2 submitters: Uncertain significance (2). Last evaluated 2025-07-27.

Conditions:
Inborn genetic diseases. Identifiers: MedGen C0950123, MeSH D030342.

gnomAD v4.1: 14 of 1,613,770 alleles (0.00087%); highest among the groups gnomAD compares: Non-Finnish European, 0.0012%; no homozygotes.

Submissions (2):

Labcorp Genetics (formerly Invitae), Labcorp
Classification: Uncertain significance. Last evaluated: 2025-07-27. Review status: criteria provided, single submitter. Criteria: Invitae Variant Classification Sherloc (09022015). Collection method: clinical testing. Allele origin: germline.
Comment: This sequence change replaces alanine, which is neutral and non-polar, with serine, which is neutral and polar, at codon 725 of the NALCN protein (p.Ala725Ser). This variant is present in population databases (rs201135494, gnomAD 0.0009%). This variant has not been reported in the literature in individuals affected with NALCN-related conditions. ClinVar contains an entry for this variant (Variation ID: 3917130). Invitae Evidence Modeling of protein sequence and biophysical properties (such as structural, functional, and spatial information, amino acid conservation, physicochemical variation, residue mobility, and thermodynamic stability) indicates that this missense variant is not expected to disrupt NALCN protein function with a negative predictive value of 80%. In summary, the available evidence is currently insufficient to determine the role of this variant in disease. Therefore, it has been classified as a Variant of Uncertain Significance.

Ambry Genetics
Classification: Uncertain significance for Inborn genetic diseases. Last evaluated: 2025-04-04. Review status: criteria provided, single submitter. Criteria: Ambry Variant Classification Scheme 2023. Collection method: clinical testing. Allele origin: germline.

NM_052867.4(NALCN):c.2173G>T (p.Ala725Ser)

Gene: NALCN (sodium leak channel, non-selective; minus strand). Cytogenetic location: 13q33.1.
Variant type: single nucleotide variant.
Coding change: c.2173G>T on transcript NM_052867.4 (MANE Select); coding-DNA position 2173, G replaced by T.
Protein change: p.Ala725Ser; replaces alanine 725 with serine.
Molecular consequence: missense variant.
Genome position (GRCh38, 1-based): chr13:101,124,627, C>A on the plus strand (G>T on the coding strand, the complement: NALCN is on the minus strand). VCF-style: chr13-101124627-C-A. GRCh37 (hg19) VCF-style: chr13-101776978-C-A.
Other names: c.2173G>T, p.Ala725Ser (NM_001350748.2, NM_001350749.2); c.2086G>T, p.Ala696Ser (NM_001350750.2, NM_001350751.2); short protein forms A696S, A725S.
Identifiers: ClinVar variation 3917130 (VCV003917130.2).